The following is an entry in ClinVar:

ClinVar aggregate classification (germline): Uncertain significance. Review status: criteria provided, multiple submitters, no conflicts (2 of 4 stars). 3 submissions from 3 submitters: Uncertain significance (3). Last evaluated 2025-12-10.

Conditions:
Inborn genetic diseases. Identifiers: MedGen C0950123, MeSH D030342.
Fanconi anemia (FA). Also called: Fanconi's anemia. Identifiers: Orphanet 84, MedGen C0015625, MeSH D005199, MONDO:0019391.

Allele frequency attached by ClinVar (database versions not stated): gnomAD exomes below 0.00001 and 0.00004; gnomAD 0.00001; TOPMed 0.00001; ExAC 0.00006.
gnomAD v4.1: 13 of 1,613,518 alleles (0.00081%); highest among the groups gnomAD compares: East Asian, 0.018%; no homozygotes.

Submissions (3):

Labcorp Genetics (formerly Invitae), Labcorp
Classification: Uncertain significance for Fanconi anemia. Last evaluated: 2025-12-10. Review status: criteria provided, single submitter. Criteria: Invitae Variant Classification Sherloc (09022015). Collection method: clinical testing. Allele origin: germline.
Comment: This sequence change replaces tryptophan, which is neutral and slightly polar, with arginine, which is basic and polar, at codon 513 of the SLX4 protein (p.Trp513Arg). This variant is present in population databases (rs769495113, gnomAD 0.06%). This variant has not been reported in the literature in individuals affected with SLX4-related conditions. ClinVar contains an entry for this variant (Variation ID: 576434). An algorithm developed to predict the effect of missense changes on protein structure and function outputs the following: PolyPhen-2: "Benign". The arginine amino acid residue is found in multiple mammalian species, which suggests that this missense change does not adversely affect protein function. In summary, the available evidence is currently insufficient to determine the role of this variant in disease. Therefore, it has been classified as a Variant of Uncertain Significance.

Ambry Genetics
Classification: Uncertain significance for Inborn genetic diseases. Last evaluated: 2023-09-12. Review status: criteria provided, single submitter. Criteria: Ambry Variant Classification Scheme 2023. Collection method: clinical testing. Allele origin: germline.

Blueprint Genetics
Classification: Uncertain significance. Last evaluated: 2019-07-09. Review status: criteria provided, single submitter. Criteria: ACMG Guidelines, 2015. Collection method: clinical testing. Allele origin: germline.

NM_032444.4(SLX4):c.1537T>C (p.Trp513Arg)

Gene: SLX4 (SLX4 structure-specific endonuclease subunit; minus strand). Cytogenetic location: 16p13.3.
Variant type: single nucleotide variant.
Coding change: c.1537T>C on transcript NM_032444.4 (MANE Select); coding-DNA position 1537, T replaced by C.
Protein change: p.Trp513Arg; replaces tryptophan 513 with arginine.
Molecular consequence: missense variant.
Genome position (GRCh38, 1-based): chr16:3,597,525, A>G on the plus strand (T>C on the coding strand, the complement: SLX4 is on the minus strand). VCF-style: chr16-3597525-A-G. GRCh37 (hg19) VCF-style: chr16-3647526-A-G.
Other names: c.1537T>C (LRG_503t1); short protein forms W513R.
Identifiers: ClinVar variation 576434 (VCV000576434.11), dbSNP rs769495113, ClinGen allele CA7866496.
Genomic context (GRCh38, chr16:3,597,525, plus strand): 5'-CCTCCCACAGAAAGCTCTGCTTGCGTTCAGGTGGAGGAGGACACTGGCCCGCTCTTTCCC[A>G]CCCTTCCTTTAAAATCCTGCTGGCAGGAAGTGGTGGCGTGCTAGACAATTCCACTTCCTC-3'
Protein context (NP_115820.2, residues 503-523): LPASRILKEG[Trp513Arg]ERAGQCPPPP